The following is an entry in ClinVar:

NM_000035.4(ALDOB):c.642C>A (p.Tyr214Ter)

Gene: ALDOB (aldolase, fructose-bisphosphate B; minus strand). Cytogenetic location: 9q31.1.
Variant type: single nucleotide variant.
Coding change: c.642C>A on transcript NM_000035.4 (MANE Select); coding-DNA position 642, C replaced by A.
Protein change: p.Tyr214Ter; replaces tyrosine 214 with a stop codon.
Molecular consequence: nonsense.
Genome position (GRCh38, 1-based): chr9:101,425,610, G>T on the plus strand (C>A on the coding strand, the complement: ALDOB is on the minus strand). VCF-style: chr9-101425610-G-T. GRCh37 (hg19) VCF-style: chr9-104187892-G-T.
Other names: short protein forms Y214*.
Identifiers: ClinVar variation 2016414 (VCV002016414.4), dbSNP rs2490120654, ClinGen allele CA374264929.

ClinVar aggregate classification (germline): Pathogenic (1 of 4 stars; one submission).

Conditions:
Hereditary fructosuria. Also called: Fructose intolerance; Hereditary fructose intolerance; ALDOB DEFICIENCY; ALDOLASE B DEFICIENCY; FRUCTOSE-1,6-BISPHOSPHATE ALDOLASE B DEFICIENCY; FRUCTOSE-1-PHOSPHATE ALDOLASE DEFICIENCY. Identifiers: Orphanet 469, MedGen C0016751, MONDO:0009249, OMIM 229600, HP:0005973. Disease mechanism: loss of function.

gnomAD v4.1: 1 of 1,614,136 alleles (0.000062%); highest among the groups gnomAD compares: Non-Finnish European, 0.000085%; no homozygotes.

Submission:

Labcorp Genetics (formerly Invitae), Labcorp
Classification: Pathogenic for Hereditary fructosuria. Last evaluated: 2022-07-13. Review status: criteria provided, single submitter. Criteria: Invitae Variant Classification Sherloc (09022015). Collection method: clinical testing. Allele origin: germline.
Comment: For these reasons, this variant has been classified as Pathogenic. This variant has not been reported in the literature in individuals affected with ALDOB-related conditions. This sequence change creates a premature translational stop signal (p.Tyr214*) in the ALDOB gene. It is expected to result in an absent or disrupted protein product. Loss-of-function variants in ALDOB are known to be pathogenic (PMID: 18541450). This variant is not present in population databases (gnomAD no frequency).

Literature cited by the submitters: PubMed 18541450.